The following is an entry in ClinVar:

ClinVar aggregate classification (germline): Uncertain significance (1 of 4 stars; one submission).

Allele frequency attached by ClinVar (database versions not stated): gnomAD exomes below 0.00001.
gnomAD v4.1: 2 of 1,614,138 alleles (0.00012%); highest among the groups gnomAD compares: Non-Finnish European, 0.00017%; no homozygotes.

Submission:

Labcorp Genetics (formerly Invitae), Labcorp
Classification: Uncertain significance. Last evaluated: 2023-07-25. Review status: criteria provided, single submitter. Criteria: Invitae Variant Classification Sherloc (09022015). Collection method: clinical testing. Allele origin: germline.
Comment: This sequence change replaces arginine, which is basic and polar, with glycine, which is neutral and non-polar, at codon 133 of the SRP72 protein (p.Arg133Gly). This variant is not present in population databases (gnomAD no frequency). Advanced modeling of protein sequence and biophysical properties (such as structural, functional, and spatial information, amino acid conservation, physicochemical variation, residue mobility, and thermodynamic stability) performed at Invitae indicates that this missense variant is not expected to disrupt SRP72 protein function. This variant has not been reported in the literature in individuals affected with SRP72-related conditions. In summary, the available evidence is currently insufficient to determine the role of this variant in disease. Therefore, it has been classified as a Variant of Uncertain Significance.

NM_006947.4(SRP72):c.397A>G (p.Arg133Gly)

Gene: SRP72 (signal recognition particle 72; plus strand). Cytogenetic location: 4q12.
Variant type: single nucleotide variant.
Coding change: c.397A>G on transcript NM_006947.4 (MANE Select); coding-DNA position 397, A replaced by G.
Protein change: p.Arg133Gly; replaces arginine 133 with glycine.
Molecular consequence: missense variant. On other transcripts: non-coding transcript variant (1).
Genome position (GRCh38, 1-based): chr4:56,474,096, A>G. VCF-style: chr4-56474096-A-G. GRCh37 (hg19) VCF-style: chr4-57340262-A-G.
Other names: c.397A>G, p.Arg133Gly (NM_001267722.2); short protein forms R133G.
Identifiers: ClinVar variation 2797472 (VCV002797472.3), dbSNP rs770268043, ClinGen allele CA97588209.